The following is an entry in ClinVar:

ClinVar aggregate classification (germline): Benign/Likely benign. Review status: criteria provided, multiple submitters, no conflicts (2 of 4 stars). 4 submissions from 4 submitters: Benign (1); Likely benign (3). Last evaluated 2026-09-01.

Allele frequency attached by ClinVar (database versions not stated): gnomAD 0.00487 and 0.00507; gnomAD exomes 0.00564 and 0.00670; ExAC 0.00636; 1000 Genomes Project 0.00260; TOPMed 0.00424; ESP Exome Variant Server 0.00439; 1000 Genomes Project 30x 0.00250.
gnomAD v4.1: 10,372 of 1,610,398 alleles (0.64%); highest among the groups gnomAD compares: Non-Finnish European, 0.77%; 57 homozygotes.

Submissions (4):

CeGaT Center for Human Genetics Tuebingen
Classification: Likely benign. Last evaluated: 2026-09-01. Review status: criteria provided, single submitter. Criteria: CeGaT Center For Human Genetics Tuebingen Variant Classification Criteria Version 2. Collection method: clinical testing. Allele origin: germline. Affected: yes. Observed: 21 variant alleles.
Comment: KIF14: BP4, BS2

Labcorp Genetics (formerly Invitae), Labcorp
Classification: Benign. Last evaluated: 2026-02-04. Review status: criteria provided, single submitter. Criteria: Invitae Variant Classification Sherloc (09022015). Collection method: clinical testing. Allele origin: germline.

Center for Pediatric Genomic Medicine, Children's Mercy Hospital and Clinics
Classification: Likely benign. Last evaluated: 2017-06-20. Review status: criteria provided, single submitter. Criteria: ACMG Guidelines, 2015. Collection method: clinical testing. Allele origin: germline.

Breakthrough Genomics
Classification: Likely benign. Review status: criteria provided, single submitter. Criteria: ACMG Guidelines, 2015. Collection method: not provided. Allele origin: germline. Inheritance: Autosomal recessive inheritance. Affected: yes.

NM_014875.3(KIF14):c.3808A>C (p.Ser1270Arg)

Gene: KIF14 (kinesin family member 14; minus strand). Cytogenetic location: 1q32.1.
Variant type: single nucleotide variant.
Coding change: c.3808A>C on transcript NM_014875.3 (MANE Select); coding-DNA position 3808, A replaced by C.
Protein change: p.Ser1270Arg; replaces serine 1270 with arginine.
Molecular consequence: missense variant.
Genome position (GRCh38, 1-based): chr1:200,565,523, T>G on the plus strand (A>C on the coding strand, the complement: KIF14 is on the minus strand). VCF-style: chr1-200565523-T-G. GRCh37 (hg19) VCF-style: chr1-200534651-T-G.
Other names: c.2335A>C, p.Ser779Arg (NM_001305792.1); short protein forms S1270R, S779R.
Identifiers: ClinVar variation 445909 (VCV000445909.35), dbSNP rs75449932, ClinGen allele CA1317150.